The following is an entry in ClinVar:

NM_004393.6(DAG1):c.2431C>T (p.Pro811Ser)

Gene: DAG1 (dystroglycan 1; plus strand). Cytogenetic location: 3p21.31.
Variant type: single nucleotide variant.
Coding change: c.2431C>T on transcript NM_004393.6 (MANE Select); coding-DNA position 2431, C replaced by T.
Protein change: p.Pro811Ser; replaces proline 811 with serine.
Molecular consequence: missense variant.
Genome position (GRCh38, 1-based): chr3:49,532,942, C>T. VCF-style: chr3-49532942-C-T. GRCh37 (hg19) VCF-style: chr3-49570375-C-T.
Other names: c.2431C>T, p.Pro811Ser (NM_001165928.4, NM_001177634.3, NM_001177635.3 and 9 more transcripts); short protein forms P811S.
Identifiers: ClinVar variation 434895 (VCV000434895.15), dbSNP rs368597067, ClinGen allele CA2399264.

ClinVar aggregate classification (germline): Uncertain significance. Review status: criteria provided, multiple submitters, no conflicts (2 of 4 stars). 4 submissions from 4 submitters: Uncertain significance (4). Last evaluated 2025-03-15.

Conditions:
Inborn genetic diseases. Identifiers: MedGen C0950123, MeSH D030342.
Muscular dystrophy-dystroglycanopathy (congenital with brain and eye anomalies), type A9. Also called: WALKER-WARBURG SYNDROME OR MUSCLE-EYE BRAIN DISEASE, DAG1-RELATED; Muscular dystrophy-dystroglycanopathy (congenital with brain and eye anomalies), type a, 9. Identifiers: Orphanet 370997, Orphanet 899, MedGen C4225291, MONDO:0014683, OMIM 616538.
Autosomal recessive limb-girdle muscular dystrophy type 2P. Also called: MUSCULAR DYSTROPHY-DYSTROGLYCANOPATHY, LIMB-GIRDLE, DAG1-RELATED; MUSCULAR DYSTROPHY, LIMB-GIRDLE, TYPE 2P; Limb-Girdle Muscular Dystrophy Type 9C. Identifiers: Orphanet 280333, MedGen C4511963, MONDO:0013440, OMIM 613818.

Allele frequency attached by ClinVar (database versions not stated): gnomAD 0.00002; TOPMed 0.00003; ExAC 0.00005; gnomAD exomes 0.00005 and 0.00006; ESP Exome Variant Server 0.00008.
gnomAD v4.1: 71 of 1,614,014 alleles (0.0044%); highest among the groups gnomAD compares: Admixed American, 0.022%; no homozygotes.

Submissions (4):

Ambry Genetics
Classification: Uncertain significance for Inborn genetic diseases. Last evaluated: 2025-03-15. Review status: criteria provided, single submitter. Criteria: Ambry Variant Classification Scheme 2023. Collection method: clinical testing. Allele origin: germline.

Labcorp Genetics (formerly Invitae), Labcorp
Classification: Uncertain significance for Autosomal recessive limb-girdle muscular dystrophy type 2P; Muscular dystrophy-dystroglycanopathy (congenital with brain and eye anomalies), type A9. Last evaluated: 2023-03-30. Review status: criteria provided, single submitter. Criteria: Invitae Variant Classification Sherloc (09022015). Collection method: clinical testing. Allele origin: germline.
Comment: In summary, the available evidence is currently insufficient to determine the role of this variant in disease. Therefore, it has been classified as a Variant of Uncertain Significance. Advanced modeling of protein sequence and biophysical properties (such as structural, functional, and spatial information, amino acid conservation, physicochemical variation, residue mobility, and thermodynamic stability) has been performed at Invitae for this missense variant, however the output from this modeling did not meet the statistical confidence thresholds required to predict the impact of this variant on DAG1 protein function. ClinVar contains an entry for this variant (Variation ID: 434895). This variant has not been reported in the literature in individuals affected with DAG1-related conditions. This variant is present in population databases (rs368597067, gnomAD 0.03%). This sequence change replaces proline, which is neutral and non-polar, with serine, which is neutral and polar, at codon 811 of the DAG1 protein (p.Pro811Ser).

Revvity Omics, Revvity
Classification: Uncertain significance. Last evaluated: 2021-06-17. Review status: criteria provided, single submitter. Criteria: ACMG Guidelines, 2015. Collection method: clinical testing. Allele origin: germline.

Genetic Services Laboratory, University of Chicago
Classification: Uncertain significance. Last evaluated: 2015-11-18. Review status: criteria provided, single submitter. Criteria: ACMG Guidelines, 2015. Collection method: clinical testing. Allele origin: germline. Affected: no.